The following is an entry in ClinVar:

ClinVar aggregate classification (germline): Likely benign. Review status: criteria provided, multiple submitters, no conflicts (2 of 4 stars). 5 submissions from 5 submitters: Likely benign (5). Last evaluated 2025-03-06.

Conditions:
Familial thoracic aortic aneurysm and aortic dissection (TAAD). Also called: Thoracic aortic aneurysms and dissections. Identifiers: Orphanet 91387, MedGen C4707243, MONDO:0019625.
Ehlers-Danlos syndrome, classic type, 1 (EDSCL1). Also called: Ehlers-Danlos Syndrome, Classic Type, COL5A1-Related; EDS I; Ehlers-Danlos syndrome, type 1; EHLERS-DANLOS SYNDROME, GRAVIS TYPE; EHLERS-DANLOS SYNDROME, SEVERE CLASSIC TYPE. Identifiers: MedGen C0268335, MONDO:0019567, OMIM 130000.

gnomAD v4.1: 14 of 1,614,098 alleles (0.00087%); highest among the groups gnomAD compares: Non-Finnish European, 0.0011%; no homozygotes.

Submissions (5):

Labcorp Genetics (formerly Invitae), Labcorp
Classification: Likely benign for Ehlers-Danlos syndrome, classic type, 1. Last evaluated: 2025-03-06. Review status: criteria provided, single submitter. Criteria: Invitae Variant Classification Sherloc (09022015). Collection method: clinical testing. Allele origin: germline.

Blueprint Genetics
Classification: Likely benign. Last evaluated: 2024-02-21. Review status: criteria provided, single submitter. Criteria: ACMG Guidelines, 2015. Collection method: clinical testing. Allele origin: germline.

Ambry Genetics
Classification: Likely benign for Familial thoracic aortic aneurysm and aortic dissection. Last evaluated: 2022-11-14. Review status: criteria provided, single submitter. Criteria: Ambry Variant Classification Scheme 2023. Collection method: clinical testing. Allele origin: germline.

CeGaT Center for Human Genetics Tuebingen
Classification: Likely benign. Last evaluated: 2021-09-01. Review status: criteria provided, single submitter. Criteria: CeGaT Center For Human Genetics Tuebingen Variant Classification Criteria Version 2. Collection method: clinical testing. Allele origin: germline. Affected: yes. Observed: 1 variant allele.

ARUP Laboratories, Molecular Genetics and Genomics, ARUP Laboratories
Classification: Likely benign. Last evaluated: 2018-02-27. Review status: criteria provided, single submitter. Criteria: ARUP Molecular Germline Variant Investigation Process. Collection method: clinical testing. Allele origin: germline.
Comment: The c.4650A>T; p.Pro1550Pro variant (rs778312075) does not alter the amino acid sequence of the COL5A1 protein and computational splice site prediction algorithms do not predict a change in the nearest splice site or creation of a cryptic splice site. This variant has not been reported in association with Ehlers-Danlos syndrome in medical literature or in gene specific variation databases. This variant is listed in the genome Aggregation Database (gnomAD) with an overall population frequency of 0.001% (identified on 3 out of 277,214 chromosomes). Based on the available information, the c.4650A>T variant is likely to be benign.

NM_000093.5(COL5A1):c.4650A>T (p.Pro1550=)

Genes: COL5A1 (collagen type V alpha 1 chain; plus strand), LOC101448202 (uncharacterized LOC101448202; minus strand). Cytogenetic location: 9q34.3.
Variant type: single nucleotide variant.
Coding change: c.4650A>T on transcript NM_000093.5 (MANE Select); coding-DNA position 4650, A replaced by T.
Protein change: p.Pro1550=; no amino-acid change (proline 1550 retained).
Molecular consequence: synonymous variant.
Genome position (GRCh38, 1-based): chr9:134,823,421, A>T. VCF-style: chr9-134823421-A-T. GRCh37 (hg19) VCF-style: chr9-137715267-A-T.
Other names: c.4650A>T, p.Pro1550= (NM_001278074.1); c.4650A>T (NM_000093.3).
Identifiers: ClinVar variation 618034 (VCV000618034.53), dbSNP rs778312075, ClinGen allele CA201099487.